The following is an entry in ClinVar:

ClinVar aggregate classification (germline): Likely pathogenic (1 of 4 stars; one submission).

Conditions:
Anemia, nonspherocytic hemolytic, due to G6PD deficiency (CNSHA1). Also called: Hemolytic anemia due to G6PD deficiency; Class I glucose-6-phosphate dehydrogenase deficiency; Favism, susceptibility to; ANEMIA, CONGENITAL, NONSPHEROCYTIC HEMOLYTIC, 1. Identifiers: Orphanet 466026, MedGen C2720289, MONDO:0010480, OMIM 300908.

Allele frequency attached by ClinVar (database versions not stated): gnomAD exomes below 0.00001; gnomAD 0.00001; TOPMed 0.00001.
gnomAD v4.1: 2 of 1,209,887 alleles (0.00017%); highest among the groups gnomAD compares: African/African-American, 0.0017%; no homozygotes.

Submission:

Dunham Lab, University of Washington
Classification: Likely pathogenic for Anemia, nonspherocytic hemolytic, due to G6PD deficiency. Last evaluated: 2022-08-12. Review status: criteria provided, single submitter. Criteria: Bayesian ACMG Guidelines, 2018. Collection method: curation. Allele origin: unknown. Affected: yes.
Comment: Variant found in three unrelated heterozygotes with G6PD deficiency (PP4, PS4_M). Decreased activity in red blood cells of heterozygotes (PS3). Below expected carrier frequency in gnomAD (PM2). Post_P 0.988 (odds of pathogenicity 729.3, Prior_P 0.1).

Literature cited by the submitters: PubMed 17018380.

NM_001360016.2(G6PD):c.442G>A (p.Glu148Lys)

Gene: G6PD (glucose-6-phosphate dehydrogenase; minus strand). Cytogenetic location: Xq28.
Variant type: single nucleotide variant.
Coding change: c.442G>A on transcript NM_001360016.2 (MANE Select); coding-DNA position 442, G replaced by A.
Protein change: p.Glu148Lys; replaces glutamic acid 148 with lysine.
Molecular consequence: missense variant.
Genome position (GRCh38, 1-based): chrX:154,535,211, C>T on the plus strand (G>A on the coding strand, the complement: G6PD is on the minus strand). VCF-style: chrX-154535211-C-T. GRCh37 (hg19) VCF-style: chrX-153763426-C-T.
Other names: G6PD Liuzhou; c.532G>A, p.Glu178Lys (NM_000402.4); c.442G>A, p.Glu148Lys (NM_001042351.3); short protein forms E148K, E178K.
Identifiers: ClinVar variation 1722725 (VCV001722725.2), dbSNP rs1191977862, ClinGen allele CA415238440.
Genomic context (GRCh38, chrX:154,535,211, plus strand): 5'-GCAACGGCAAGCCTTACATCTGGCTCATGCAGGACTCGTGAATGTTCTTGGTGACGGCCT[C>T]GTAGACGGTCGGGGGCAAGGCCAGGTAGAAGAGGCGGTTGGCCTGTGACCCCAGGTGGAG-3'
Protein context (NP_001346945.1, residues 138-158): FYLALPPTVY[Glu148Lys]AVTKNIHESC